The following is an entry in ClinVar:

ClinVar aggregate classification (germline): Uncertain significance (1 of 4 stars; one submission).

Conditions:
Long chain 3-hydroxyacyl-CoA dehydrogenase deficiency. Also called: Deficiency of long-chain 3-hydroxyacyl-coenzyme A dehydrogenase; LCHAD Deficiency. Identifiers: Orphanet 5, MedGen C3711645, MONDO:0012173, OMIM 609016.
Mitochondrial trifunctional protein deficiency. Identifiers: Orphanet 746, MedGen C1969443, MONDO:0012172.

Submission:

Labcorp Genetics (formerly Invitae), Labcorp
Classification: Uncertain significance for Mitochondrial trifunctional protein deficiency; Long chain 3-hydroxyacyl-CoA dehydrogenase deficiency. Last evaluated: 2021-04-12. Review status: criteria provided, single submitter. Criteria: Invitae Variant Classification Sherloc (09022015). Collection method: clinical testing. Allele origin: germline.
Comment: This variant has not been reported in the literature in individuals with HADHA-related conditions. In summary, the available evidence is currently insufficient to determine the role of this variant in disease. Therefore, it has been classified as a Variant of Uncertain Significance. Advanced modeling of protein sequence and biophysical properties (such as structural, functional, and spatial information, amino acid conservation, physicochemical variation, residue mobility, and thermodynamic stability) performed at Invitae indicates that this missense variant is expected to disrupt HADHA protein function. This variant is not present in population databases (ExAC no frequency). This sequence change replaces leucine with arginine at codon 90 of the HADHA protein (p.Leu90Arg). The leucine residue is highly conserved and there is a moderate physicochemical difference between leucine and arginine.

NM_000182.5(HADHA):c.269T>G (p.Leu90Arg)

Gene: HADHA (hydroxyacyl-CoA dehydrogenase trifunctional multienzyme complex subunit alpha; minus strand). Cytogenetic location: 2p23.3.
Variant type: single nucleotide variant.
Coding change: c.269T>G on transcript NM_000182.5 (MANE Select); coding-DNA position 269, T replaced by G.
Protein change: p.Leu90Arg; replaces leucine 90 with arginine.
Molecular consequence: missense variant.
Genome position (GRCh38, 1-based): chr2:26,236,900, A>C on the plus strand (T>G on the coding strand, the complement: HADHA is on the minus strand). VCF-style: chr2-26236900-A-C. GRCh37 (hg19) VCF-style: chr2-26459768-A-C.
Other names: short protein forms L90R.
Identifiers: ClinVar variation 1435857 (VCV001435857.8), dbSNP rs2147784395, ClinGen allele CA346094328.